The following is an entry in ClinVar:

NM_005228.5(EGFR):c.2508C>T (p.Arg836=)

Gene: EGFR (epidermal growth factor receptor; plus strand). Cytogenetic location: 7p11.2.
Variant type: single nucleotide variant.
Coding change: c.2508C>T on transcript NM_005228.5 (MANE Select); coding-DNA position 2508, C replaced by T.
Protein change: p.Arg836=; no amino-acid change (arginine 836 retained).
Molecular consequence: synonymous variant.
Genome position (GRCh38, 1-based): chr7:55,191,757, C>T. VCF-style: chr7-55191757-C-T. GRCh37 (hg19) VCF-style: chr7-55259450-C-T.
Other names: p.Arg836=; c.2373C>T, p.Arg791= (NM_001346897.2, NM_001346899.2); c.2508C>T, p.Arg836= (NM_001346898.2); c.2349C>T, p.Arg783= (NM_001346900.2); c.1707C>T, p.Arg569= (NM_001346941.2).
Identifiers: ClinVar variation 45281 (VCV000045281.38), dbSNP rs2229066, ClinGen allele CA135924.

ClinVar aggregate classification (germline): Benign/Likely benign. Review status: criteria provided, multiple submitters, no conflicts (2 of 4 stars). 12 submissions from 12 submitters: Benign (8); Likely benign (3). 1 of the submissions does not count toward it. Last evaluated 2026-02-04.

Conditions:
Lung cancer. Also called: Malignant tumor of lung; Lung cancer, somatic. Identifiers: MedGen C0242379, MONDO:0008903, OMIM 211980.
Hereditary cancer-predisposing syndrome. Also called: Tumor predisposition; Neoplastic Syndromes, Hereditary; Hereditary Cancer Syndrome; Hereditary neoplastic syndrome. Identifiers: Orphanet 140162, MedGen C0027672, MeSH D009386, MONDO:0015356.
EGFR-related lung cancer (EGFR). Identifiers: MedGen CN130014.

Allele frequency attached by ClinVar (database versions not stated): 1000 Genomes Project 0.00539; 1000 Genomes Project 30x 0.00625; TOPMed 0.01290; ESP Exome Variant Server 0.01699.
gnomAD v4.1: 34,385 of 1,613,938 alleles (2.1%); highest among the groups gnomAD compares: Non-Finnish European, 2.5%; 479 homozygotes.

Submissions (12):

Labcorp Genetics (formerly Invitae), Labcorp
Classification: Benign for EGFR-related lung cancer. Last evaluated: 2026-02-04. Review status: criteria provided, single submitter. Criteria: Invitae Variant Classification Sherloc (09022015). Collection method: clinical testing. Allele origin: germline.

Mayo Clinic Laboratories, Mayo Clinic
Classification: Likely benign. Last evaluated: 2025-12-01. Review status: criteria provided, single submitter. Criteria: ACMG Guidelines, 2015. Collection method: clinical testing. Allele origin: germline. Observed: 6 variant alleles.
Comment: BS1, BP4, BP7

Quest Diagnostics Nichols Institute San Juan Capistrano
Classification: Benign. Last evaluated: 2025-06-03. Review status: criteria provided, single submitter. Criteria: Quest Diagnostics criteria. Collection method: clinical testing. Allele origin: unknown.

ARUP Laboratories, Molecular Genetics and Genomics, ARUP Laboratories
Classification: Benign. Last evaluated: 2025-05-29. Review status: criteria provided, single submitter. Criteria: ARUP Molecular Germline Variant Investigation Process 2024. Collection method: clinical testing. Allele origin: germline.

Blueprint Genetics
Classification: Likely benign. Last evaluated: 2024-11-25. Review status: criteria provided, single submitter. Criteria: ACMG Guidelines, 2015. Collection method: clinical testing. Allele origin: germline.

Ambry Genetics
Classification: Likely benign for Hereditary cancer-predisposing syndrome. Last evaluated: 2024-10-18. Review status: criteria provided, single submitter. Criteria: Ambry Variant Classification Scheme 2023. Collection method: clinical testing. Allele origin: germline.

Myriad Genetics, Inc.
Classification: Benign for Lung cancer. Last evaluated: 2024-10-17. Review status: criteria provided, single submitter. Criteria: Myriad Autosomal Dominant, Autosomal Recessive and X-Linked Classification Criteria (2023). Collection method: clinical testing. Allele origin: unknown.
Comment: This variant is considered benign. This variant is a silent/synonymous amino acid change and it is not expected to impact splicing.

CeGaT Center for Human Genetics Tuebingen
Classification: Benign. Last evaluated: 2024-09-01. Review status: criteria provided, single submitter. Criteria: CeGaT Center For Human Genetics Tuebingen Variant Classification Criteria Version 2. Collection method: clinical testing. Allele origin: germline. Affected: yes. Observed: 1 variant allele.
Comment: EGFR: BP4, BP7, BS1, BS2

KCCC/NGS Laboratory, Kuwait Cancer Control Center
Classification: Benign for Lung cancer. Last evaluated: 2023-07-07. Review status: criteria provided, single submitter. Criteria: ACMG Guidelines, 2015. Collection method: clinical testing. Allele origin: germline. Affected: yes.

GeneDx
Classification: Benign. Last evaluated: 2021-05-19. Review status: criteria provided, single submitter. Criteria: GeneDx Variant Classification Process June 2021. Collection method: clinical testing. Allele origin: germline. Affected: yes.
Comment: This variant is associated with the following publications: (PMID: 24899223, 22192147)

Breakthrough Genomics
Classification: Benign. Review status: criteria provided, single submitter. Criteria: ACMG Guidelines, 2015. Collection method: not provided. Allele origin: germline. Inheritance: Autosomal recessive inheritance. Affected: yes.

Laboratory for Molecular Medicine, Mass General Brigham Personalized Medicine
Classification: Benign. Last evaluated: 2007-08-24. Review status: no assertion criteria provided. Collection method: clinical testing. Allele origin: somatic. Observed: 41 variant alleles. Not counted in ClinVar's aggregate classification.